The following is an entry in ClinVar:

ClinVar aggregate classification (germline): Uncertain significance (1 of 4 stars; one submission).

Conditions:
Familial focal epilepsy with variable foci (FPEVF). Identifiers: Orphanet 98820, MedGen C1858477, MONDO:0020310.

Submission:

Labcorp Genetics (formerly Invitae), Labcorp
Classification: Uncertain significance for Familial focal epilepsy with variable foci. Last evaluated: 2022-11-15. Review status: criteria provided, single submitter. Criteria: Invitae Variant Classification Sherloc (09022015). Collection method: clinical testing. Allele origin: germline.
Comment: In summary, the available evidence is currently insufficient to determine the role of this variant in disease. Therefore, it has been classified as a Variant of Uncertain Significance. Algorithms developed to predict the effect of sequence changes on RNA splicing suggest that this variant may create or strengthen a splice site. Algorithms developed to predict the effect of missense changes on protein structure and function output the following: SIFT: "Tolerated"; PolyPhen-2: "Not Available"; Align-GVGD: "Class C0". The glycine amino acid residue is found in multiple mammalian species, which suggests that this missense change does not adversely affect protein function. This variant has not been reported in the literature in individuals affected with DEPDC5-related conditions. This variant is not present in population databases (gnomAD no frequency). This sequence change replaces serine, which is neutral and polar, with glycine, which is neutral and non-polar, at codon 686 of the DEPDC5 protein (p.Ser686Gly).

NM_001242896.3(DEPDC5):c.2056A>G (p.Ser686Gly)

Gene: DEPDC5 (DEP domain containing 5, GATOR1 subcomplex subunit; plus strand). Cytogenetic location: 22q12.3.
Variant type: single nucleotide variant.
Coding change: c.2056A>G on transcript NM_001242896.3 (MANE Select); coding-DNA position 2056, A replaced by G.
Protein change: p.Ser686Gly; replaces serine 686 with glycine.
Molecular consequence: missense variant. On other transcripts: non-coding transcript variant (4), intron variant (3).
Genome position (GRCh38, 1-based): chr22:31,822,742, A>G. VCF-style: chr22-31822742-A-G. GRCh37 (hg19) VCF-style: chr22-32218728-A-G.
Other names: c.2056A>G, p.Ser686Gly (NM_001136029.4, NM_001363852.2, NM_001364318.2 and 3 more transcripts); c.1972A>G, p.Ser658Gly (NM_001369901.1, NM_001369902.1); c.1870+3517A>G (NM_001363854.2, NM_001242897.2, NM_001364319.2); short protein forms S658G, S686G.
Identifiers: ClinVar variation 2014638 (VCV002014638.4), dbSNP rs2519486476, ClinGen allele CA411283289.